The following is an entry in ClinVar:

ClinVar aggregate classification (germline): Benign/Likely benign. Review status: criteria provided, multiple submitters, no conflicts (2 of 4 stars). 2 submissions from 2 submitters: Benign (1); Likely benign (1). Last evaluated 2024-07-16.

Conditions:
Hereditary cancer-predisposing syndrome. Also called: Neoplastic Syndromes, Hereditary; Tumor predisposition; Hereditary Cancer Syndrome; Hereditary neoplastic syndrome. Identifiers: Orphanet 140162, MedGen C0027672, MeSH D009386, MONDO:0015356.
BAP1-related tumor predisposition syndrome (TPDS1). Also called: Tumor susceptibility linked to germline BAP1 mutations; COMMON Syndrome; BAP1 tumor predisposition syndrome; TUMOR PREDISPOSITION SYNDROME 1. Identifiers: Orphanet 289539, MedGen C3280492, MONDO:0013692, OMIM 614327.

Submissions (2):

Myriad Genetics, Inc.
Classification: Benign for BAP1-related tumor predisposition syndrome. Last evaluated: 2024-07-16. Review status: criteria provided, single submitter. Criteria: Myriad Autosomal Dominant, Autosomal Recessive and X-Linked Classification Criteria (2023). Collection method: clinical testing. Allele origin: unknown.
Comment: This variant is considered benign. This variant is a silent/synonymous amino acid change and it is not expected to impact splicing.

Ambry Genetics
Classification: Likely benign for Hereditary cancer-predisposing syndrome. Last evaluated: 2024-07-09. Review status: criteria provided, single submitter. Criteria: Ambry Variant Classification Scheme 2023. Collection method: clinical testing. Allele origin: germline.

NM_004656.4(BAP1):c.1452C>T (p.Pro484=)

Gene: BAP1 (BRCA1 associated deubiquitinase 1; minus strand). Cytogenetic location: 3p21.1.
Variant type: single nucleotide variant.
Coding change: c.1452C>T on transcript NM_004656.4 (MANE Select); coding-DNA position 1452, C replaced by T.
Protein change: p.Pro484=; no amino-acid change (proline 484 retained).
Molecular consequence: synonymous variant.
Genome position (GRCh38, 1-based): chr3:52,403,693, G>A on the plus strand (C>T on the coding strand, the complement: BAP1 is on the minus strand). VCF-style: chr3-52403693-G-A. GRCh37 (hg19) VCF-style: chr3-52437709-G-A.
Other names: c.1398C>T, p.Pro466= (NM_001410772.1).
Identifiers: ClinVar variation 3379105 (VCV003379105.2).